The following is an entry in ClinVar:

ClinVar aggregate classification (germline): Uncertain significance (1 of 4 stars; one submission).

Allele frequency attached by ClinVar (database versions not stated): gnomAD exomes below 0.00001.
gnomAD v4.1: 1 of 1,614,058 alleles (0.000062%); highest among the groups gnomAD compares: Non-Finnish European, 0.000085%; no homozygotes.

Submission:

Labcorp Genetics (formerly Invitae), Labcorp
Classification: Uncertain significance. Last evaluated: 2024-02-20. Review status: criteria provided, single submitter. Criteria: Invitae Variant Classification Sherloc (09022015). Collection method: clinical testing. Allele origin: germline.
Comment: This sequence change replaces tyrosine, which is neutral and polar, with serine, which is neutral and polar, at codon 27 of the C6 protein (p.Tyr27Ser). This variant is present in population databases (no rsID available, gnomAD 0.0009%). This variant has not been reported in the literature in individuals affected with C6-related conditions. ClinVar contains an entry for this variant (Variation ID: 1480129). An algorithm developed to predict the effect of missense changes on protein structure and function (PolyPhen-2) suggests that this variant is likely to be disruptive. In summary, the available evidence is currently insufficient to determine the role of this variant in disease. Therefore, it has been classified as a Variant of Uncertain Significance.

NM_000065.5(C6):c.80A>C (p.Tyr27Ser)

Gene: C6 (complement C6; minus strand). Cytogenetic location: 5p13.1.
Variant type: single nucleotide variant.
Coding change: c.80A>C on transcript NM_000065.5 (MANE Select); coding-DNA position 80, A replaced by C.
Protein change: p.Tyr27Ser; replaces tyrosine 27 with serine.
Molecular consequence: missense variant.
Genome position (GRCh38, 1-based): chr5:41,203,151, T>G on the plus strand (A>C on the coding strand, the complement: C6 is on the minus strand). VCF-style: chr5-41203151-T-G. GRCh37 (hg19) VCF-style: chr5-41203253-T-G.
Other names: c.80A>C, p.Tyr27Ser (NM_001115131.4); short protein forms Y27S.
Identifiers: ClinVar variation 1480129 (VCV001480129.6), dbSNP rs766749453, ClinGen allele CA117795525.